The following is an entry in ClinVar:

ClinVar aggregate classification (germline): Uncertain significance. Review status: criteria provided, multiple submitters, no conflicts (2 of 4 stars). 2 submissions from 2 submitters: Uncertain significance (2). Last evaluated 2024-02-24.

Conditions:
Cardiovascular phenotype. Identifiers: MedGen CN230736.
Dilated cardiomyopathy 1CC (CMD1CC). Identifiers: Orphanet 154, MedGen C2751084, MONDO:0013147, OMIM 613122.
Hypertrophic cardiomyopathy 20. Identifiers: MedGen C3151267, MONDO:0013477, OMIM 613876.

Allele frequency attached by ClinVar (database versions not stated): gnomAD exomes below 0.00001 and 0.00001; ExAC 0.00001; TOPMed 0.00001.
gnomAD v4.1: 7 of 1,613,702 alleles (0.00043%); highest among the groups gnomAD compares: African/African-American, 0.0013%; no homozygotes.

Submissions (2):

Ambry Genetics
Classification: Uncertain significance for Cardiovascular phenotype. Last evaluated: 2024-02-24. Review status: criteria provided, single submitter. Criteria: Ambry Variant Classification Scheme 2023. Collection method: clinical testing. Allele origin: germline.
Comment: The p.Q265K variant (also known as c.793C>A), located in coding exon 7 of the NEXN gene, results from a C to A substitution at nucleotide position 793. The glutamine at codon 265 is replaced by lysine, an amino acid with similar properties. This amino acid position is conserved. In addition, this alteration is predicted to be tolerated by in silico analysis. Based on the available evidence, the clinical significance of this alteration remains unclear.

Labcorp Genetics (formerly Invitae), Labcorp
Classification: Uncertain significance for Dilated cardiomyopathy 1CC; Hypertrophic cardiomyopathy 20. Last evaluated: 2020-07-13. Review status: criteria provided, single submitter. Criteria: Invitae Variant Classification Sherloc (09022015). Collection method: clinical testing. Allele origin: germline.
Comment: This sequence change replaces glutamine with lysine at codon 265 of the NEXN protein (p.Gln265Lys). The glutamine residue is highly conserved and there is a small physicochemical difference between glutamine and lysine. This variant is present in population databases (rs761106568, ExAC 0.002%). This variant has not been reported in the literature in individuals with NEXN-related conditions. Algorithms developed to predict the effect of missense changes on protein structure and function (SIFT, PolyPhen-2, Align-GVGD) all suggest that this variant is likely to be tolerated, but these predictions have not been confirmed by published functional studies and their clinical significance is uncertain. In summary, the available evidence is currently insufficient to determine the role of this variant in disease. Therefore, it has been classified as a Variant of Uncertain Significance.

NM_144573.4(NEXN):c.793C>A (p.Gln265Lys)

Gene: NEXN (nexilin F-actin binding protein; plus strand). Cytogenetic location: 1p31.1.
Variant type: single nucleotide variant.
Coding change: c.793C>A on transcript NM_144573.4 (MANE Select); coding-DNA position 793, C replaced by A.
Protein change: p.Gln265Lys; replaces glutamine 265 with lysine.
Molecular consequence: missense variant.
Genome position (GRCh38, 1-based): chr1:77,926,821, C>A. VCF-style: chr1-77926821-C-A. GRCh37 (hg19) VCF-style: chr1-78392506-C-A.
Other names: c.601C>A, p.Gln201Lys (NM_001172309.2); c.793C>A (NM_144573.3); short protein forms Q201K, Q265K.
Identifiers: ClinVar variation 1007353 (VCV001007353.9), dbSNP rs761106568, ClinGen allele CA918734.